The following is an entry in ClinVar:

ClinVar aggregate classification (germline): Conflicting classifications of pathogenicity. Review status: criteria provided, conflicting classifications (1 of 4 stars). 4 submissions from 4 submitters: Uncertain significance (1); Likely benign (2). 1 of the submissions does not count toward it. Last evaluated 2026-07-01.

Conditions:
IRF2BPL-related disorder. Also called: IRF2BPL-related condition. Identifiers: MedGen CN381093.

Submissions (4):

CeGaT Center for Human Genetics Tuebingen
Classification: Likely benign. Last evaluated: 2026-07-01. Review status: criteria provided, single submitter. Criteria: CeGaT Center For Human Genetics Tuebingen Variant Classification Criteria Version 2. Collection method: clinical testing. Allele origin: germline. Affected: yes. Observed: 7 variant alleles.
Comment: IRF2BPL: BS1

GeneDx
Classification: Uncertain significance. Last evaluated: 2025-12-23. Review status: criteria provided, single submitter. Criteria: GeneDx Variant Classification Process June 2021. Collection method: clinical testing. Allele origin: germline. Affected: yes.
Comment: In-frame duplication of 3 amino acid(s) in a repetitive region with no known function; Has not been previously published as pathogenic or benign to our knowledge

Blueprint Genetics
Classification: Likely benign. Last evaluated: 2024-11-19. Review status: criteria provided, single submitter. Criteria: ACMG Guidelines, 2015. Collection method: clinical testing. Allele origin: germline.

PreventionGenetics, part of Exact Sciences
Classification: Likely benign for IRF2BPL-related condition. Last evaluated: 2021-06-29. Review status: no assertion criteria provided. Collection method: clinical testing. Allele origin: germline. Not counted in ClinVar's aggregate classification.
Comment: This variant is classified as likely benign based on ACMG/AMP sequence variant interpretation guidelines (Richards et al. 2015 PMID: 25741868, with internal and published modifications).

NM_024496.4(IRF2BPL):c.459_470dup (p.Ala164_Val165insAlaAlaAlaAla)

Gene: IRF2BPL (interferon regulatory factor 2 binding protein like; minus strand). Cytogenetic location: 14q24.3.
Variant type: Duplication.
Coding change: c.459_470dup on transcript NM_024496.4 (MANE Select); coding-DNA positions 459 to 470, 12 bases duplicated (TGCCGCCGCCGC).
Protein change: p.Ala164_Val165insAlaAlaAlaAla.
Molecular consequence: inframe insertion.
Genome position (GRCh38, 1-based): chr14:77,027,323-77,027,334, GCGGCGGCGGCA duplicated on the plus strand (TGCCGCCGCCGC on the coding strand, the reverse complement: IRF2BPL is on the minus strand); duplicating any 12 consecutive bases within chr14:77,027,323-77,027,337 gives the same sequence; the c. name uses the placement nearest the transcript's 3' end. VCF-style (leftmost placement, unchanged base first): chr14-77027322-G-GGCGGCGGCGGCA. GRCh37 (hg19) VCF-style: chr14-77493665-G-GGCGGCGGCGGCA.
Other names: c.459_470dup12 (NM_024496.3); c.459_470dup (NM_024496.3).
Identifiers: ClinVar variation 2644402 (VCV002644402.28), dbSNP rs760501664, ClinGen allele CA7283947.